The following is an entry in ClinVar:

ClinVar aggregate classification (germline): Uncertain significance (1 of 4 stars; one submission).

Allele frequency attached by ClinVar (database versions not stated): gnomAD 0.00001.
gnomAD v4.1: 27 of 1,613,926 alleles (0.0017%); highest among the groups gnomAD compares: Non-Finnish European, 0.0022%; no homozygotes.

Submission:

Labcorp Genetics (formerly Invitae), Labcorp
Classification: Uncertain significance. Last evaluated: 2025-11-05. Review status: criteria provided, single submitter. Criteria: Invitae Variant Classification Sherloc (09022015). Collection method: clinical testing. Allele origin: germline.
Comment: This sequence change replaces serine, which is neutral and polar, with asparagine, which is neutral and polar, at codon 595 of the FCHO1 protein (p.Ser595Asn). This variant is present in population databases (rs751315326, gnomAD 0.003%). This variant has not been reported in the literature in individuals affected with FCHO1-related conditions. ClinVar contains an entry for this variant (Variation ID: 1386241). An algorithm developed to predict the effect of missense changes on protein structure and function (PolyPhen-2) suggests that this variant is likely to be tolerated. In summary, the available evidence is currently insufficient to determine the role of this variant in disease. Therefore, it has been classified as a Variant of Uncertain Significance.

NM_015122.3(FCHO1):c.1784G>A (p.Ser595Asn)

Gene: FCHO1 (FCH and mu domain containing endocytic adaptor 1; plus strand). Cytogenetic location: 19p13.11.
Variant type: single nucleotide variant.
Coding change: c.1784G>A on transcript NM_015122.3 (MANE Select); coding-DNA position 1784, G replaced by A.
Protein change: p.Ser595Asn; replaces serine 595 with asparagine.
Molecular consequence: missense variant. On other transcripts: non-coding transcript variant (36).
Genome position (GRCh38, 1-based): chr19:17,781,495, G>A. VCF-style: chr19-17781495-G-A. GRCh37 (hg19) VCF-style: chr19-17892304-G-A.
Other names: c.1784G>A, p.Ser595Asn (NM_001161357.2, NM_001161358.2, NM_001384370.1 and 13 more transcripts); c.1634G>A, p.Ser545Asn (NM_001161359.2, NM_001384384.1, NM_001384385.1 and 1 more transcripts); c.1745G>A, p.Ser582Asn (NM_001384388.1, NM_001384389.1, NM_001384405.1); c.1709G>A, p.Ser570Asn (NM_001384390.1); c.1667G>A, p.Ser556Asn (NM_001384392.1, NM_001384393.1, NM_001384394.1 and 1 more transcripts); c.1508G>A, p.Ser503Asn (NM_001384396.1, NM_001384397.1, NM_001384398.1 and 5 more transcripts); c.1463G>A, p.Ser488Asn (NM_001384403.1); c.1358G>A, p.Ser453Asn (NM_001384406.1); and 1 more; short protein forms S488N, S503N, S595N, S405N, S453N, S582N, S545N, S556N.
Identifiers: ClinVar variation 1386241 (VCV001386241.5), dbSNP rs751315326, ClinGen allele CA9300632.